The following is an entry in ClinVar:

NM_003344.4(UBE2H):c.246-9C>T

Gene: UBE2H (ubiquitin conjugating enzyme E2 H; minus strand). Cytogenetic location: 7q32.2.
Variant type: single nucleotide variant.
Coding change: c.246-9C>T on transcript NM_003344.4 (MANE Select); 9 bases into the intron before coding-DNA position 246, C replaced by T.
Molecular consequence: intron variant.
Genome position (GRCh38, 1-based): chr7:129,857,572, G>A on the plus strand (C>T on the coding strand, the complement: UBE2H is on the minus strand). VCF-style: chr7-129857572-G-A. GRCh37 (hg19) VCF-style: chr7-129497412-G-A.
Other names: c.36-9C>T (NM_001202498.2); c.206-18237C>T (NM_182697.3).
Identifiers: ClinVar variation 3054294 (VCV003054294.2), dbSNP rs777257013, ClinGen allele CA4481501.

ClinVar aggregate classification (germline): Likely benign (0 of 4 stars; one submission).

Conditions:
UBE2H-related disorder. Also called: UBE2H-related condition.

Allele frequency attached by ClinVar (database versions not stated): gnomAD 0.00001; gnomAD exomes 0.00002; TOPMed 0.00003; ExAC 0.00007.
gnomAD v4.1: 34 of 1,609,840 alleles (0.0021%); highest among the groups gnomAD compares: Non-Finnish European, 0.0028%; no homozygotes.

Submission:

PreventionGenetics, part of Exact Sciences
Classification: Likely benign for UBE2H-related condition. Last evaluated: 2020-04-29. Review status: no assertion criteria provided. Collection method: clinical testing. Allele origin: germline.
Comment: This variant is classified as likely benign based on ACMG/AMP sequence variant interpretation guidelines (Richards et al. 2015 PMID: 25741868, with internal and published modifications).